The following is an entry in ClinVar:

NM_000789.4(ACE):c.2952G>C (p.Val984=)

Gene: ACE (angiotensin I converting enzyme; plus strand). Cytogenetic location: 17q23.3.
Variant type: single nucleotide variant.
Coding change: c.2952G>C on transcript NM_000789.4 (MANE Select); coding-DNA position 2952, G replaced by C.
Protein change: p.Val984=; no amino-acid change (valine 984 retained).
Molecular consequence: synonymous variant.
Genome position (GRCh38, 1-based): chr17:63,493,475, G>C. VCF-style: chr17-63493475-G-C. GRCh37 (hg19) VCF-style: chr17-61570836-G-C.
Other names: c.1230G>C, p.Val410= (NM_001178057.2, NM_152830.3).
Identifiers: ClinVar variation 324411 (VCV000324411.18), dbSNP rs3730044, ClinGen allele CA8700329.

ClinVar aggregate classification (germline): Conflicting classifications of pathogenicity. Review status: criteria provided, conflicting classifications (1 of 4 stars). 3 submissions from 3 submitters: Uncertain significance (1); Likely benign (2). Last evaluated 2025-07-01.

Conditions:
Renal tubular dysgenesis. Also called: Renotubular dysgenesis. Identifiers: Orphanet 3033, MedGen C0266313, MONDO:0017609, HP:0008660.

Allele frequency attached by ClinVar (database versions not stated): TOPMed 0.00020.
gnomAD v4.1: 678 of 1,613,964 alleles (0.042%); highest among the groups gnomAD compares: Non-Finnish European, 0.055%; 1 homozygote.

Submissions (3):

CeGaT Center for Human Genetics Tuebingen
Classification: Likely benign. Last evaluated: 2025-07-01. Review status: criteria provided, single submitter. Criteria: CeGaT Center For Human Genetics Tuebingen Variant Classification Criteria Version 2. Collection method: clinical testing. Allele origin: germline. Affected: yes. Observed: 1 variant allele.
Comment: ACE: BP4, BP7

Labcorp Genetics (formerly Invitae), Labcorp
Classification: Likely benign. Last evaluated: 2025-06-12. Review status: criteria provided, single submitter. Criteria: Invitae Variant Classification Sherloc (09022015). Collection method: clinical testing. Allele origin: germline.

Illumina Laboratory Services, Illumina
Classification: Uncertain significance for Renal tubular dysgenesis of genetic origin. Last evaluated: 2018-01-13. Review status: criteria provided, single submitter. Criteria: ICSL Variant Classification Criteria 13 December 2019. Collection method: clinical testing. Allele origin: germline.